The following is an entry in ClinVar:

NM_000059.4(BRCA2):c.5861C>G (p.Thr1954Ser)

Gene: BRCA2 (BRCA2 DNA repair associated; plus strand). Cytogenetic location: 13q13.1.
Variant type: single nucleotide variant.
Coding change: c.5861C>G on transcript NM_000059.4 (MANE Select); coding-DNA position 5861, C replaced by G.
Protein change: p.Thr1954Ser; replaces threonine 1954 with serine.
Molecular consequence: missense variant.
Genome position (GRCh38, 1-based): chr13:32,340,216, C>G. VCF-style: chr13-32340216-C-G. GRCh37 (hg19) VCF-style: chr13-32914353-C-G.
Other names: short protein forms T1954S.
Identifiers: ClinVar variation 441320 (VCV000441320.7), dbSNP rs1060502413, ClinGen allele CA387787421.

ClinVar aggregate classification (germline): Conflicting classifications of pathogenicity. Review status: criteria provided, conflicting classifications (1 of 4 stars). 2 submissions from 2 submitters: Uncertain significance (1); Likely benign (1). Last evaluated 2023-03-23.

Conditions:
Hereditary cancer-predisposing syndrome. Also called: Hereditary Cancer Syndrome; Hereditary neoplastic syndrome; Neoplastic Syndromes, Hereditary; Tumor predisposition. Identifiers: Orphanet 140162, MedGen C0027672, MeSH D009386, MONDO:0015356.

Submissions (2):

University of Washington Department of Laboratory Medicine, University of Washington
Classification: Likely benign for Hereditary cancer-predisposing syndrome. Last evaluated: 2023-03-23. Review status: criteria provided, single submitter. Criteria: Dines et al. (Genet Med. 2020). Collection method: curation. Allele origin: germline.
Comment: Missense variant in a coldspot region where missense variants are very unlikely to be pathogenic (PMID:31911673).

BRCA2 exon 11 coldspot. Reclassification based on statistical prior probability.

Ambry Genetics
Classification: Uncertain significance for Hereditary cancer-predisposing syndrome. Last evaluated: 2016-03-01. Review status: criteria provided, single submitter. Criteria: Ambry Variant Classification Scheme 2023. Collection method: clinical testing. Allele origin: germline.
Comment: The p.T1954S variant (also known as c.5861C>G), located in coding exon 10 of the BRCA2 gene, results from a C to G substitution at nucleotide position 5861. The threonine at codon 1954 is replaced by serine, an amino acid with similar properties. This variant was not reported in population based cohorts in the following databases: Database of Single Nucleotide Polymorphisms (dbSNP), NHLBI Exome Sequencing Project (ESP), and 1000 Genomes Project. In the ESP, this variant was not observed in 6501 samples (13002 alleles) with coverage at this position. To date, this alteration has been detected with an allele frequency of approximately 0.0004% (greater than 225000 alleles tested) in our clinical cohort. This amino acid position is not well conserved in available vertebrate species. In addition, this alteration is predicted to be tolerated by in silico analysis. Since supporting evidence is limited at this time, the clinical significance of this alteration remains unclear.